The following is an entry in ClinVar:

ClinVar aggregate classification (germline): Uncertain significance. Review status: criteria provided, multiple submitters, no conflicts (2 of 4 stars). 3 submissions from 3 submitters: Uncertain significance (3). Last evaluated 2025-04-09.

Conditions:
TNC-related disorder. Also called: TNC-related condition.

Allele frequency attached by ClinVar (database versions not stated): ExAC 0.00007; TOPMed 0.00015; 1000 Genomes Project 30x 0.00016; gnomAD 0.00016; 1000 Genomes Project 0.00020; gnomAD exomes 0.00021; ESP Exome Variant Server 0.00038.
gnomAD v4.1: 334 of 1,613,982 alleles (0.021%); highest among the groups gnomAD compares: Non-Finnish European, 0.027%; no homozygotes.

Submissions (3):

PreventionGenetics, part of Exact Sciences
Classification: Uncertain significance for TNC-related condition. Last evaluated: 2025-04-09. Review status: criteria provided, single submitter. Criteria: ACMG Guidelines, 2015. Collection method: clinical testing. Allele origin: germline.
Comment: The TNC c.4366C>G variant is predicted to result in the amino acid substitution p.Leu1456Val. To our knowledge, this variant has not been reported in the literature. This variant is reported in 0.013% of alleles in individuals of European (Non-Finnish) descent in gnomAD. Although we suspect that this variant may be benign, at this time, the clinical significance of this variant is uncertain due to the absence of conclusive functional and genetic evidence.

Blueprint Genetics
Classification: Uncertain significance. Last evaluated: 2024-10-23. Review status: criteria provided, single submitter. Criteria: ACMG Guidelines, 2015. Collection method: clinical testing. Allele origin: germline.

Ambry Genetics
Classification: Uncertain significance. Last evaluated: 2023-12-20. Review status: criteria provided, single submitter. Criteria: Ambry Variant Classification Scheme 2023. Collection method: clinical testing. Allele origin: germline.

NM_002160.4(TNC):c.4366C>G (p.Leu1456Val)

Gene: TNC (tenascin C; minus strand). Cytogenetic location: 9q33.1.
Variant type: single nucleotide variant.
Coding change: c.4366C>G on transcript NM_002160.4 (MANE Select); coding-DNA position 4366, C replaced by G.
Protein change: p.Leu1456Val; replaces leucine 1456 with valine.
Molecular consequence: missense variant.
Genome position (GRCh38, 1-based): chr9:115,057,366, G>C on the plus strand (C>G on the coding strand, the complement: TNC is on the minus strand). VCF-style: chr9-115057366-G-C. GRCh37 (hg19) VCF-style: chr9-117819645-G-C.
Other names: c.4093C>G, p.Leu1365Val (NM_001410991.1); short protein forms L1456V, L1365V.
Identifiers: ClinVar variation 3180132 (VCV003180132.3), dbSNP rs201327197, ClinGen allele CA5207949.